The following is an entry in ClinVar:

ClinVar aggregate classification (germline): Likely pathogenic (1 of 4 stars; one submission).

Conditions:
Congenital myasthenic syndrome 17. Identifiers: Orphanet 590, MedGen C4225377, MONDO:0014578, OMIM 616304.
Cenani-Lenz syndactyly syndrome. Also called: SYNDACTYLY, TYPE VII; CENANI SYNDACTYLISM. Identifiers: Orphanet 3258, MedGen C1859309, MONDO:0008931, OMIM 212780.
Sclerosteosis 2 (SOST2). Identifiers: Orphanet 3152, MedGen C3280402, MONDO:0013679, OMIM 614305.

gnomAD v4.1: 1 of 1,613,994 alleles (0.000062%); highest among the groups gnomAD compares: South Asian, 0.0011%; no homozygotes.

Submission:

First Genomix Gene Laboratory, Genetic Diagnostics Department
Classification: Likely pathogenic for Congenital myasthenic syndrome 17; Cenani-Lenz syndactyly syndrome; Sclerosteosis 2. Last evaluated: 2025-06-02. Review status: criteria provided, single submitter. Criteria: ACMG Guidelines, 2015. Collection method: clinical testing. Allele origin: germline. Inheritance: Autosomal recessive inheritance. Affected: no. Observed: 1 variant allele.

NM_002334.4(LRP4):c.295G>C (p.Asp99His)

Gene: LRP4 (LDL receptor related protein 4; minus strand). Cytogenetic location: 11p11.2.
Variant type: single nucleotide variant.
Coding change: c.295G>C on transcript NM_002334.4 (MANE Select); coding-DNA position 295, G replaced by C.
Protein change: p.Asp99His; replaces aspartic acid 99 with histidine.
Molecular consequence: missense variant.
Genome position (GRCh38, 1-based): chr11:46,900,283, C>G on the plus strand (G>C on the coding strand, the complement: LRP4 is on the minus strand). VCF-style: chr11-46900283-C-G. GRCh37 (hg19) VCF-style: chr11-46921834-C-G.
Other names: short protein forms D99H.
Identifiers: ClinVar variation 4849434 (VCV004849434.1).